The following is an entry in ClinVar:

NM_000091.5(COL4A3):c.4213G>C (p.Ala1405Pro)

Genes: COL4A3 (collagen type IV alpha 3 chain; plus strand), MFF-DT (MFF divergent transcript; minus strand). Cytogenetic location: 2q36.3.
Variant type: single nucleotide variant.
Coding change: c.4213G>C on transcript NM_000091.5 (MANE Select); coding-DNA position 4213, G replaced by C.
Protein change: p.Ala1405Pro; replaces alanine 1405 with proline.
Molecular consequence: missense variant.
Genome position (GRCh38, 1-based): chr2:227,305,044, G>C. VCF-style: chr2-227305044-G-C. GRCh37 (hg19) VCF-style: chr2-228169760-G-C.
Other names: short protein forms A1405P.
Identifiers: ClinVar variation 2691521 (VCV002691521.1), dbSNP rs2073446251, ClinGen allele CA350863861.

ClinVar aggregate classification (germline): Uncertain significance (1 of 4 stars; one submission).

Allele frequency attached by ClinVar (database versions not stated): gnomAD 0.00001; gnomAD exomes 0.00001.
gnomAD v4.1: 4 of 1,613,824 alleles (0.00025%); highest among the groups gnomAD compares: South Asian, 0.0044%; no homozygotes.

Submission:

Women's Health and Genetics/Laboratory Corporation of America, LabCorp
Classification: Uncertain significance. Last evaluated: 2023-12-08. Review status: criteria provided, single submitter. Criteria: LabCorp Variant Classification Summary - May 2015. Collection method: clinical testing. Allele origin: germline.
Comment: Variant summary: COL4A3 c.4213G>C (p.Ala1405Pro) results in a non-conservative amino acid change located in the Collagen triple helix repeat region of the encoded protein sequence. Four of five in-silico tools predict a benign effect of the variant on protein function. The variant was absent in 249162 control chromosomes (gnomAD). The available data on variant occurrences in the general population are insufficient to allow any conclusion about variant significance. To our knowledge, no occurrence of c.4213G>C in individuals affected with Alport Syndrome, Autosomal Recessive and no experimental evidence demonstrating its impact on protein function have been reported. No submitters have cited clinical-significance assessments for this variant to ClinVar after 2014. Based on the evidence outlined above, the variant was classified as uncertain significance.